The following is an entry in ClinVar:

ClinVar aggregate classification (germline): Uncertain significance. Review status: criteria provided, multiple submitters, no conflicts (2 of 4 stars). 2 submissions from 2 submitters: Uncertain significance (2). Last evaluated 2025-08-07.

Conditions:
Inborn genetic diseases. Identifiers: MedGen C0950123, MeSH D030342.

gnomAD v4.1: 7 of 1,614,084 alleles (0.00043%); highest among the groups gnomAD compares: Non-Finnish European, 0.00059%; no homozygotes.

Submissions (2):

Ambry Genetics
Classification: Uncertain significance for Inborn genetic diseases. Last evaluated: 2025-08-07. Review status: criteria provided, single submitter. Criteria: Ambry Variant Classification Scheme 2023. Collection method: clinical testing. Allele origin: germline.

Labcorp Genetics (formerly Invitae), Labcorp
Classification: Uncertain significance. Last evaluated: 2024-10-24. Review status: criteria provided, single submitter. Criteria: Invitae Variant Classification Sherloc (09022015). Collection method: clinical testing. Allele origin: germline.
Comment: This sequence change replaces isoleucine, which is neutral and non-polar, with valine, which is neutral and non-polar, at codon 473 of the GGCX protein (p.Ile473Val). This variant is present in population databases (no rsID available, gnomAD 0.0009%). This variant has not been reported in the literature in individuals affected with GGCX-related conditions. Invitae Evidence Modeling of protein sequence and biophysical properties (such as structural, functional, and spatial information, amino acid conservation, physicochemical variation, residue mobility, and thermodynamic stability) has been performed for this missense variant. However, the output from this modeling did not meet the statistical confidence thresholds required to predict the impact of this variant on GGCX protein function. In summary, the available evidence is currently insufficient to determine the role of this variant in disease. Therefore, it has been classified as a Variant of Uncertain Significance.

NM_000821.7(GGCX):c.1417A>G (p.Ile473Val)

Gene: GGCX (gamma-glutamyl carboxylase; minus strand). Cytogenetic location: 2p11.2.
Variant type: single nucleotide variant.
Coding change: c.1417A>G on transcript NM_000821.7 (MANE Select); coding-DNA position 1417, A replaced by G.
Protein change: p.Ile473Val; replaces isoleucine 473 with valine.
Molecular consequence: missense variant.
Genome position (GRCh38, 1-based): chr2:85,552,438, T>C on the plus strand (A>G on the coding strand, the complement: GGCX is on the minus strand). VCF-style: chr2-85552438-T-C. GRCh37 (hg19) VCF-style: chr2-85779561-T-C.
Other names: c.1246A>G, p.Ile416Val (NM_001142269.4); c.1417A>G (NM_000821.5); short protein forms I473V, I416V.
Identifiers: ClinVar variation 2730340 (VCV002730340.4), dbSNP rs905852831, ClinGen allele CA51736143.